The following is an entry in ClinVar:

ClinVar aggregate classification (germline): Likely benign (0 of 4 stars; one submission).

Conditions:
PBX1-related disorder. Also called: PBX1-related condition.

Allele frequency attached by ClinVar (database versions not stated): gnomAD exomes 0.00002; gnomAD 0.00007; TOPMed 0.00010; ESP Exome Variant Server 0.00023.
gnomAD v4.1: 33 of 1,609,240 alleles (0.0021%); highest among the groups gnomAD compares: African/African-American, 0.041%; no homozygotes.

Submission:

PreventionGenetics, part of Exact Sciences
Classification: Likely benign for PBX1-related condition. Last evaluated: 2021-03-29. Review status: no assertion criteria provided. Collection method: clinical testing. Allele origin: germline.
Comment: This variant is classified as likely benign based on ACMG/AMP sequence variant interpretation guidelines (Richards et al. 2015 PMID: 25741868, with internal and published modifications).

NM_002585.4(PBX1):c.1111-9T>C

Gene: PBX1 (PBX homeobox 1; plus strand). Cytogenetic location: 1q23.3.
Variant type: single nucleotide variant.
Coding change: c.1111-9T>C on transcript NM_002585.4 (MANE Select); 9 bases into the intron before coding-DNA position 1111, T replaced by C.
Molecular consequence: intron variant.
Genome position (GRCh38, 1-based): chr1:164,821,528, T>C. VCF-style: chr1-164821528-T-C. GRCh37 (hg19) VCF-style: chr1-164790765-T-C.
Other names: c.998-9T>C (NM_001353131.2, NM_001204961.2); c.1111-9T>C (NM_001204963.2); c.862-9T>C (NM_001353130.1).
Identifiers: ClinVar variation 3030724 (VCV003030724.2), dbSNP rs372802929, ClinGen allele CA32165904.